The following is an entry in ClinVar:

ClinVar aggregate classification (germline): Uncertain significance. Review status: criteria provided, multiple submitters, no conflicts (2 of 4 stars). 2 submissions from 2 submitters: Uncertain significance (2). Last evaluated 2023-08-28.

Conditions:
Cardiomyopathy (CMYO). Also called: Cardiomyopathies. Identifiers: Orphanet 167848, MedGen C0878544, MONDO:0004994, HP:0001638. Inheritance: Various modes of inheritance.
Hypertrophic cardiomyopathy. Also called: HYPERTROPHIC MYOCARDIOPATHY. Identifiers: Orphanet 217569, MedGen C0007194, MeSH D002312, MONDO:0005045, HP:0001639.

Allele frequency attached by ClinVar (database versions not stated): gnomAD 0.00001; gnomAD exomes 0.00002; TOPMed 0.00002.
gnomAD v4.1: 31 of 1,559,850 alleles (0.002%); highest among the groups gnomAD compares: Non-Finnish European, 0.0024%; no homozygotes.

Submissions (2):

All of Us Research Program, National Institutes of Health
Classification: Uncertain significance for Hypertrophic cardiomyopathy. Last evaluated: 2023-08-28. Review status: criteria provided, single submitter. Criteria: ACMG Guidelines, 2015. Collection method: clinical testing. Allele origin: germline. Inheritance: Autosomal dominant inheritance. Observed: 1 variant allele, 1 heterozygote.
Comment: This variant causes a T to C nucleotide substitution at the +6 position of intron 4 of the MYBPC3 gene. Splice site prediction tools predict that this variant may have a significant impact on RNA splicing. To our knowledge, functional studies have not been reported for this variant. This variant has not been reported in individuals affected with MYBPC3-related disorders in the literature. This variant has been identified in 3/167946 chromosomes in the general population by the Genome Aggregation Database (gnomAD). The available evidence is insufficient to determine the role of this variant in disease conclusively. Therefore, this variant is classified as a Variant of Uncertain Significance.

This study involves interpretation of variants in research participants for the purpose of population health screening. Participant phenotype was not available at the time of variant classification. Additional details can be found in publication PMID: 35346344, PMCID: PMC8962531

Color Diagnostics, LLC DBA Color Health
Classification: Uncertain significance for Cardiomyopathy. Last evaluated: 2023-08-16. Review status: criteria provided, single submitter. Criteria: ACMG Guidelines, 2015. Collection method: clinical testing. Allele origin: germline.
Comment: This variant causes a T to C nucleotide substitution at the +6 position of intron 4 of the MYBPC3 gene. Splice site prediction tools predict that this variant may have a significant impact on RNA splicing. To our knowledge, functional studies have not been reported for this variant. This variant has not been reported in individuals affected with MYBPC3-related disorders in the literature. This variant has been identified in 3/167946 chromosomes in the general population by the Genome Aggregation Database (gnomAD). The available evidence is insufficient to determine the role of this variant in disease conclusively. Therefore, this variant is classified as a Variant of Uncertain Significance.

NC_000011.10:g.47350008A>G

Gene: MYBPC3 (myosin binding protein C3; minus strand). Cytogenetic location: 11p11.2.
Variant type: single nucleotide variant.
Genome position: GRCh38 VCF-style: chr11-47350008-A-G. GRCh37 (hg19) VCF-style: chr11-47371559-A-G.
Other names: c.505+6T>C (NM_000256.3, LRG_386t1).
Identifiers: ClinVar variation 630007 (VCV000630007.7), dbSNP rs397516055, ClinGen allele CA599060584.
Genomic context (GRCh38, chr11:47,350,008, plus strand): 5'-GGCTTGGGGAGTGTCCTGCTGCCCCCCCTTCCCACCCCAATGCTGGGCACAGCAGCTCAC[A>G]CTCACCCACGGTCACCTCGCCATCCTGTGGCCGCATCACGAAGAGGCCAATGGGGTCATC-3'